The following is an entry in ClinVar:

NM_004560.4(ROR2):c.1687G>A (p.Glu563Lys)

Gene: ROR2 (ROR family WNT receptor 2; minus strand). Cytogenetic location: 9q22.31.
Variant type: single nucleotide variant.
Coding change: c.1687G>A on transcript NM_004560.4 (MANE Select); coding-DNA position 1687, G replaced by A.
Protein change: p.Glu563Lys; replaces glutamic acid 563 with lysine.
Molecular consequence: missense variant.
Genome position (GRCh38, 1-based): chr9:91,724,807, C>T on the plus strand (G>A on the coding strand, the complement: ROR2 is on the minus strand). VCF-style: chr9-91724807-C-T. GRCh37 (hg19) VCF-style: chr9-94487089-C-T.
Other names: short protein forms E563K.
Identifiers: ClinVar variation 1336627 (VCV001336627.45), dbSNP rs186571882, ClinGen allele CA5120610.
Genomic context (GRCh38, chr9:91,724,807, plus strand): 5'-CCGTGCGGTCATCATCGGTGCTGCCCACGTCCGAGTGCGGCGAGCGCATGACCAGGAATT[C>T]GTGGAGGTCGCCGTGCGAACAGTAGCTGAAGATCATGCTCAGGGGCTGGTCCTTGGTCAC-3'
Protein context (NP_004551.2, residues 553-573): FSYCSHGDLH[Glu563Lys]FLVMRSPHSD

ClinVar aggregate classification (germline): Uncertain significance. Review status: criteria provided, multiple submitters, no conflicts (2 of 4 stars). 5 submissions from 5 submitters: Uncertain significance (5). Last evaluated 2025-09-02.

Conditions:
Brachydactyly type B1 (BDB1). Identifiers: Orphanet 572385, Orphanet 93383, MedGen C1862112, MONDO:0007220, OMIM 113000.
Autosomal recessive Robinow syndrome (RRS1). Also called: COSTOVERTEBRAL SEGMENTATION DEFECT WITH MESOMELIA; COVESDEM SYNDROME; ROBINOW SYNDROME, AUTOSOMAL RECESSIVE 1; ROR2-Related Robinow Syndrome. Identifiers: Orphanet 1507, Orphanet 97360, MedGen C5399974, MONDO:0009999, OMIM 268310.

Allele frequency attached by ClinVar (database versions not stated): gnomAD 0.00001; ExAC 0.00002; TOPMed 0.00003; gnomAD exomes 0.00004 and 0.00005; 1000 Genomes Project 0.00020; 1000 Genomes Project 30x 0.00031.
gnomAD v4.1: 77 of 1,608,756 alleles (0.0048%); highest among the groups gnomAD compares: East Asian, 0.016%; no homozygotes.

Submissions (5):

Labcorp Genetics (formerly Invitae), Labcorp
Classification: Uncertain significance. Last evaluated: 2025-09-02. Review status: criteria provided, single submitter. Criteria: Invitae Variant Classification Sherloc (09022015). Collection method: clinical testing. Allele origin: germline.
Comment: This sequence change replaces glutamic acid, which is acidic and polar, with lysine, which is basic and polar, at codon 563 of the ROR2 protein (p.Glu563Lys). This variant is present in population databases (rs186571882, gnomAD 0.006%). This variant has not been reported in the literature in individuals affected with ROR2-related conditions. ClinVar contains an entry for this variant (Variation ID: 1336627). Invitae Evidence Modeling of protein sequence and biophysical properties (such as structural, functional, and spatial information, amino acid conservation, physicochemical variation, residue mobility, and thermodynamic stability) indicates that this missense variant is expected to disrupt ROR2 protein function with a positive predictive value of 80%. In summary, the available evidence is currently insufficient to determine the role of this variant in disease. Therefore, it has been classified as a Variant of Uncertain Significance.

Fulgent Genetics
Classification: Uncertain significance for Brachydactyly type B1; Autosomal recessive Robinow syndrome. Last evaluated: 2024-02-13. Review status: criteria provided, single submitter. Criteria: ACMG Guidelines, 2015. Collection method: clinical testing. Allele origin: germline.

CeGaT Center for Human Genetics Tuebingen
Classification: Uncertain significance. Last evaluated: 2022-12-01. Review status: criteria provided, single submitter. Criteria: CeGaT Center For Human Genetics Tuebingen Variant Classification Criteria Version 2. Collection method: clinical testing. Allele origin: germline. Affected: yes. Observed: 1 variant allele.
Comment: ROR2: PP3

Revvity Omics, Revvity
Classification: Uncertain significance. Last evaluated: 2022-04-28. Review status: criteria provided, single submitter. Criteria: ACMG Guidelines, 2015. Collection method: clinical testing. Allele origin: germline.

Genetic Services Laboratory, University of Chicago
Classification: Uncertain significance. Last evaluated: 2018-04-09. Review status: criteria provided, single submitter. Criteria: ACMG Guidelines, 2015. Collection method: clinical testing. Allele origin: germline. Affected: no.